The following is an entry in ClinVar:

NM_153676.4(USH1C):c.1822C>T (p.Pro608Ser)

Gene: USH1C (USH1 protein network component harmonin; minus strand). Cytogenetic location: 11p15.1.
Variant type: single nucleotide variant.
Coding change: c.1822C>T on transcript NM_153676.4 (MANE Select); coding-DNA position 1822, C replaced by T.
Protein change: p.Pro608Ser; replaces proline 608 with serine.
Molecular consequence: missense variant. On other transcripts: intron variant (2).
Genome position (GRCh38, 1-based): chr11:17,509,547, G>A on the plus strand (C>T on the coding strand, the complement: USH1C is on the minus strand). VCF-style: chr11-17509547-G-A. GRCh37 (hg19) VCF-style: chr11-17531094-G-A.
Other names: c.1228-7567C>T (NM_001297764.2); c.1285-7567C>T (NM_005709.4); short protein forms P608S.
Identifiers: ClinVar variation 179964 (VCV000179964.7), dbSNP rs727505247, ClinGen allele CA185524.

ClinVar aggregate classification (germline): Uncertain significance. Review status: criteria provided, single submitter (1 of 4 stars). 3 submissions from 3 submitters: Uncertain significance (1). 2 of the submissions do not count toward it. Last evaluated 2014-09-15.

Conditions:
Autosomal recessive nonsyndromic hearing loss 18A. Also called: Deafness, autosomal recessive 18A; DEAFNESS, AUTOSOMAL RECESSIVE 18. Identifiers: Orphanet 90636, MedGen C1865870, MONDO:0011192, OMIM 602092.
Usher syndrome type 1C. Also called: USHER SYNDROME, TYPE I, ACADIAN VARIETY. Identifiers: Orphanet 231169, Orphanet 886, MedGen C1848604, MONDO:0010171, OMIM 276904.

Allele frequency attached by ClinVar (database versions not stated): TOPMed 0.00002; ExAC 0.00003; gnomAD exomes 0.00003.

Submissions (3):

Laboratory for Molecular Medicine, Mass General Brigham Personalized Medicine
Classification: Uncertain significance. Last evaluated: 2014-09-15. Review status: criteria provided, single submitter. Criteria: LMM Criteria. Collection method: clinical testing. Allele origin: germline. Observed: 1 variant allele.
Comment: Variant classified as Uncertain Significance - Favor Benign. The Pro608Ser varia nt in USH1C has not been previously reported in individuals with hearing loss, a nd data from large population studies is insufficient to assess the frequency of this variant. Proline (Pro) at position 608 is not conserved in evolutionarily distant species, raising the possibility that a change at this position may be t olerated. Additional computational prediction tools suggest that the Pro608Ser v ariant may not impact the protein, though this information is not predictive eno ugh to rule out pathogenicity. In summary, while the clinical significance of th e Pro608Ser variant is uncertain, these data suggest that it is more likely to b e benign.

Natera, Inc.
Classification: Uncertain significance for Usher syndrome type 1C. Last evaluated: 2020-01-24. Review status: no assertion criteria provided. Collection method: clinical testing. Allele origin: germline. Not counted in ClinVar's aggregate classification.

Counsyl
Classification: Likely benign for Usher syndrome type 1C; Autosomal recessive nonsyndromic hearing loss 18A. Last evaluated: 2017-03-15. Review status: no assertion criteria provided. Collection method: clinical testing. Allele origin: unknown. Not counted in ClinVar's aggregate classification.